The following is an entry in ClinVar:

ClinVar aggregate classification (germline): Uncertain significance. Review status: criteria provided, multiple submitters, no conflicts (2 of 4 stars). 2 submissions from 2 submitters: Uncertain significance (2). Last evaluated 2025-08-12.

Allele frequency attached by ClinVar (database versions not stated): gnomAD exomes 0.00001; TOPMed 0.00001; ExAC 0.00002.
gnomAD v4.1: 9 of 1,614,102 alleles (0.00056%); highest among the groups gnomAD compares: Middle Eastern, 0.016%; no homozygotes.

Submissions (2):

Ambry Genetics
Classification: Uncertain significance. Last evaluated: 2025-08-12. Review status: criteria provided, single submitter. Criteria: Ambry Variant Classification Scheme 2023. Collection method: clinical testing. Allele origin: germline.

Labcorp Genetics (formerly Invitae), Labcorp
Classification: Uncertain significance. Last evaluated: 2022-11-23. Review status: criteria provided, single submitter. Criteria: Invitae Variant Classification Sherloc (09022015). Collection method: clinical testing. Allele origin: germline.
Comment: This variant has not been reported in the literature in individuals affected with FBN3-related conditions. In summary, the available evidence is currently insufficient to determine the role of this variant in disease. Therefore, it has been classified as a Variant of Uncertain Significance. Advanced modeling of protein sequence and biophysical properties (such as structural, functional, and spatial information, amino acid conservation, physicochemical variation, residue mobility, and thermodynamic stability) performed at Invitae indicates that this missense variant is expected to disrupt FBN3 protein function. This variant is present in population databases (rs765122699, gnomAD 0.007%). This sequence change replaces glutamic acid, which is acidic and polar, with lysine, which is basic and polar, at codon 1566 of the FBN3 protein (p.Glu1566Lys).

NM_032447.5(FBN3):c.4696G>A (p.Glu1566Lys)

Gene: FBN3 (fibrillin 3; minus strand). Cytogenetic location: 19p13.2.
Variant type: single nucleotide variant.
Coding change: c.4696G>A on transcript NM_032447.5 (MANE Select); coding-DNA position 4696, G replaced by A.
Protein change: p.Glu1566Lys; replaces glutamic acid 1566 with lysine.
Molecular consequence: missense variant.
Genome position (GRCh38, 1-based): chr19:8,106,225, C>T on the plus strand (G>A on the coding strand, the complement: FBN3 is on the minus strand). VCF-style: chr19-8106225-C-T. GRCh37 (hg19) VCF-style: chr19-8171109-C-T.
Other names: c.4696G>A, p.Glu1566Lys (NM_001321431.2); c.4696G>A (NM_032447.3); short protein forms E1566K.
Identifiers: ClinVar variation 1947022 (VCV001947022.6), dbSNP rs765122699, ClinGen allele CA9151945.